The following continues an entry in ClinVar:

NM_005343.4(HRAS):c.34G>A (p.Gly12Ser)

ClinVar aggregate classification (germline): Pathogenic. Pathogenic (1). ClinVar aggregate classification (somatic clinical impact): Tier I - Strong.

Submissions 29 to 50 of 50:

Center for Human Genetics, Inc
Classification: Pathogenic for Costello syndrome. Last evaluated: 2016-11-01. Review status: criteria provided, single submitter. Criteria: ACMG Guidelines, 2015. Collection method: clinical testing. Allele origin: germline. Affected: yes. Not counted in ClinVar's aggregate classification.

Eurofins Ntd Llc (ga)
Classification: Pathogenic. Last evaluated: 2015-08-27. Review status: criteria provided, single submitter. Criteria: EGL Classification Definitions. Collection method: clinical testing. Allele origin: germline. Observed: 3 variant alleles, 3 heterozygotes. Not counted in ClinVar's aggregate classification.

Molecular Diagnostics Lab, Nemours Children's Health, Delaware
Classification: Pathogenic for Costello syndrome. Last evaluated: 2014-06-04. Review status: criteria provided, single submitter. Criteria: ACMG Guidelines, 2015. Collection method: clinical testing. Allele origin: unknown. Affected: yes. Observed: 11 variant alleles. Clinical features observed: none provided, failure to thrive, feeding issues, multiple papillomata, skeletal anomalies, foot deformities, developmental delay, clinical features of Costello Syndrome, subglottic stenosis, dysmorphic at birth, developed seizures, atrial septal defect, coarctation of the aorta, hypotonia, gastroesophageal refulx disease, developmental delay, coarse facial features, macroglossia, failure to thrive, redundant skin on plams, atrial tachycardia, Coarse facial features, Congestive heart failure, Feeding tube, Moderate to profound mental retardation, Polyhydramnios in utero, Deep palmar creases, and 8 more. Not counted in ClinVar's aggregate classification.

Laboratory for Molecular Medicine, Mass General Brigham Personalized Medicine
Classification: Pathogenic for Costello syndrome. Last evaluated: 2012-07-30. Review status: criteria provided, single submitter. Criteria: LMM Criteria. Collection method: clinical testing. Allele origin: germline. Observed: 13 variant alleles. Not counted in ClinVar's aggregate classification.
Comment: The Gly12Ser variant in HRAS is the most common variant associated with Costello syndrome (Aoki 2005, Kerr 2006, Gripp 2006, Gori 2008, Dileone 2010, Estep 2006 , Gripp 2006, Lo 2008, Paquin 2009, Sol-Church 2009, Sol-Church 2006, van der Bu rgt 2007, van Steensel 2006, Zampino 2007, Zhang 2009). This variant has been re ported to have occurred de novo in many individuals. In summary, this variant me ets our criteria to be classified as pathogenic.

Centre for Human Genetics
Classification: Pathogenic for Noonan syndrome 1. Review status: criteria provided, single submitter. Criteria: ACMG Guidelines, 2015. Collection method: clinical testing. Allele origin: de novo. Inheritance: Autosomal dominant inheritance. Affected: yes. Observed: 2 variant alleles. Not counted in ClinVar's aggregate classification.
Comment: The HRAS c.34G>A(p.Gly12Ser) variant (rs104894229) is a very common pathogenic variant in patients diagnosed with Costello syndrome (Aoki 2005, Estep 2006, Gripp 2005, Kerr 2006, Niihori 2011, Zampino 2007). Functional characterization of the p.Gly12Ser protein indicates increased downstream MEK signaling activity (Aoki 2005, Niihori 2011), consistent with the established disease mechanism of Costello syndrome, which has phenotypic overlap with Noonan syndrome. Based on available information, this variant is considered to be pathogenic.

Clinical Biomedical Laboratory, Shriners Hospital For Children - Canada
Classification: Pathogenic for Costello syndrome. Review status: criteria provided, single submitter. Criteria: ACMG Guidelines, 2015. Collection method: clinical testing. Allele origin: germline. Affected: yes. Not counted in ClinVar's aggregate classification.
Comment: This variant is predicted to substitute a glycine residue by a serine residue in HRAS. This variant is absent in the Genome Aggregation Database (gnomAD v2.1.1), indicating it is very rare. Computational tools (REVEL: 0.70) suggest that the amino acid change is deleterious to protein function. This variant has been reported as a cause of Costello syndrome in more than 20 publications (e.g. PMID 31222966). Based on the ACMG variant interpretation guidelines (criteria: PS3, PM2, PM5, PP2, PP3, PP5), the available evidence supports classification of this variant as pathogenic.

Juno Genomics, Hangzhou Juno Genomics, Inc
Classification: Pathogenic for Costello syndrome. Review status: criteria provided, single submitter. Criteria: ACMG Guidelines, 2015. Collection method: clinical testing. Allele origin: germline. Affected: yes. Not counted in ClinVar's aggregate classification.
Comment: Absent from controls (or at extremely low frequency if recessive) in Genome Aggregation Database, Exome Sequencing Project, 1000 Genomes Project, or Exome Aggregation Consortium.;The prevalence of the variant in affected individuals is significantly increased compared to the prevalence in controls.;De novo (both maternity and paternity confirmed) in a patient with the disease and no family history.;Multiple lines of computational evidence support a deleterious effect on the gene or gene product (conservation, evolutionary, splicing impact, etc).;Located in a mutational hot spot and/or critical and well-established functional domain (e.g. active site of an enzyme) without benign variation.

Neuberg Centre For Genomic Medicine, NCGM
Classification: Pathogenic for Costello syndrome. Review status: criteria provided, single submitter. Criteria: ACMG Guidelines, 2015. Collection method: clinical testing. Allele origin: germline. Inheritance: Autosomal dominant inheritance. Affected: yes. Not counted in ClinVar's aggregate classification.
Comment: The missense c.34G>A(p.Gly12Ser) variant in HRAS gene has been reported previously in individual(s) affected with Costello syndrome (Niihori T, et. al., 2011; Aoki Y, et. al., 2005). Functional studies indicate this variant has a damaging effect on the gene or the gene product (van der Burgt I, et. al., 2007). The p.Gly12Ser variant is novel (not in any individuals) in both gnomAD Exomes and 1000 Genomes databases. This variant has been reported to the ClinVar database as Likely Pathogenic / Pathogenic (multiple submissions). The amino acid Gly at position 12 is changed to a Ser changing protein sequence and it might alter its composition and physico-chemical properties. For these reasons, this variant has been classified as Pathogenic.

Institute Of Reproduction And Development, Obstetrics and Gynecology Hospital, Fudan University
Classification: Pathogenic for Costello syndrome. Last evaluated: 2021-10-14. Review status: no assertion criteria provided. Collection method: research. Allele origin: germline. Affected: yes. Not counted in ClinVar's aggregate classification.

Human Genome Sequencing Center Clinical Lab, Baylor College of Medicine
Classification: Pathogenic for Rhabdomyosarcoma. Last evaluated: 2020-09-01. Review status: no assertion criteria provided. Collection method: provider interpretation. Allele origin: germline. Affected: yes. Not counted in ClinVar's aggregate classification.

Institute of Medical Sciences, Banaras Hindu University
Classification: Pathogenic for Lip and oral cavity carcinoma. Last evaluated: 2019-04-30. Review status: no assertion criteria provided. Collection method: research. Allele origin: somatic. Affected: yes. Observed: 3 variant alleles. Not counted in ClinVar's aggregate classification.

Clinical Molecular Genetics Laboratory, Johns Hopkins All Children's Hospital
Classification: Pathogenic for Costello syndrome. Last evaluated: 2017-12-18. Review status: no assertion criteria provided. Collection method: clinical testing. Allele origin: germline. Affected: yes. Not counted in ClinVar's aggregate classification.

OMIM
Classification: Pathogenic for COSTELLO SYNDROME. Last evaluated: 2014-04-01. Review status: no assertion criteria provided. Collection method: literature only. Allele origin: unknown. Not counted in ClinVar's aggregate classification.

OMIM
Classification: Pathogenic for MYOPATHY, CONGENITAL, WITH EXCESS OF MUSCLE SPINDLES. Last evaluated: 2014-04-01. Review status: no assertion criteria provided. Collection method: literature only. Allele origin: unknown. Not counted in ClinVar's aggregate classification.

OMIM
Classification: Pathogenic for EPIDERMAL NEVUS WITH UROTHELIAL CANCER, SOMATIC. Last evaluated: 2014-04-01. Review status: no assertion criteria provided. Collection method: literature only. Allele origin: somatic. Not counted in ClinVar's aggregate classification.

OMIM
Classification: Pathogenic for NEVUS SEBACEOUS, SOMATIC. Last evaluated: 2014-04-01. Review status: no assertion criteria provided. Collection method: literature only. Allele origin: somatic. Not counted in ClinVar's aggregate classification.

OMIM
Classification: Pathogenic for NEVUS, WOOLLY HAIR, SOMATIC. Last evaluated: 2014-04-01. Review status: no assertion criteria provided. Collection method: literature only. Allele origin: somatic. Not counted in ClinVar's aggregate classification.

Baylor Genetics
Classification: Pathogenic for Rasopathy. Review status: no assertion criteria provided. Collection method: clinical testing. Allele origin: unknown. Affected: yes. Not counted in ClinVar's aggregate classification.
Comment: Variant classified using ACMG guidelines

Clinical Genetics DNA and cytogenetics Diagnostics Lab, Erasmus MC, Erasmus Medical Center
Classification: Pathogenic. Review status: no assertion criteria provided. Collection method: clinical testing. Allele origin: germline. Affected: yes. Study: VKGL Data-share Consensus. Not counted in ClinVar's aggregate classification.

Genome Diagnostics Laboratory, Amsterdam University Medical Center
Classification: Pathogenic. Review status: no assertion criteria provided. Collection method: clinical testing. Allele origin: germline. Affected: yes. Study: VKGL Data-share Consensus. Not counted in ClinVar's aggregate classification.

Joint Genome Diagnostic Labs from Nijmegen and Maastricht, Radboudumc and MUMC+
Classification: Pathogenic. Review status: no assertion criteria provided. Collection method: clinical testing. Allele origin: germline. Affected: yes. Study: VKGL Data-share Consensus. Not counted in ClinVar's aggregate classification.

Molecular Genetics, Centre for Human Genetics
Classification: Pathogenic for Noonan syndrome 1. Review status: no assertion criteria provided. Collection method: clinical testing. Allele origin: de novo. Inheritance: Autosomal dominant inheritance. Affected: yes. Observed: 6 variant alleles. Not counted in ClinVar's aggregate classification.

Literature cited by the submitters: PubMed 16329078 (cited by 5 submitters); PubMed 16969868 (cited by 4 submitters); PubMed 19206176 (cited by 4 submitters); PubMed 16835863 (cited by 6 submitters); PubMed 16170316 (cited by 11 submitters); PubMed 18039947 (cited by 6 submitters); PubMed 19669404 (cited by 4 submitters); PubMed 29493581 (cited by ClinGen RASopathy Variant Curation Expert Panel and The Central Laboratory of Birth Defects Prevention and Control, The Affiliated Women and Children's Hospital of Ningbo University); PubMed 20660566 (cited by 3 submitters); PubMed 19371735 (cited by 5 submitters); PubMed 16443854 (cited by 8 submitters); PubMed 17054105 (cited by 7 submitters); PubMed 16372351 (cited by 4 submitters); PubMed 16881968 (cited by 6 submitters); PubMed 17412879 (cited by 4 submitters); PubMed 20979192 (cited by Labcorp Genetics (formerly Invitae), Labcorp); PubMed 21834037 (cited by Labcorp Genetics (formerly Invitae), Labcorp); PubMed 21850009 (cited by 3 submitters); PubMed 22317973 (cited by Labcorp Genetics (formerly Invitae), Labcorp and Ambry Genetics); PubMed 23751039 (cited by Labcorp Genetics (formerly Invitae), Labcorp); PubMed 16155195 (cited by Ambry Genetics); PubMed 22495892 (cited by Ambry Genetics); PubMed 24224811 (cited by Ambry Genetics and Institute for Genomic Medicine (IGM) Clinical Laboratory, Nationwide Children's Hospital); PubMed 25914166 (cited by Ambry Genetics); PubMed 20301680 (cited by Victorian Clinical Genetics Services, Murdoch Childrens Research Institute); PubMed 31222966 (cited by Victorian Clinical Genetics Services, Murdoch Childrens Research Institute); PubMed 6092966 (cited by Institute for Genomic Medicine (IGM) Clinical Laboratory, Nationwide Children's Hospital); PubMed 34166060 (cited by Institute for Genomic Medicine (IGM) Clinical Laboratory, Nationwide Children's Hospital); PubMed 24436047 (cited by Institute for Genomic Medicine (IGM) Clinical Laboratory, Nationwide Children's Hospital); PubMed 2680062 (cited by Institute for Genomic Medicine (IGM) Clinical Laboratory, Nationwide Children's Hospital); PubMed 19681119 (cited by Institute for Genomic Medicine (IGM) Clinical Laboratory, Nationwide Children's Hospital); PubMed 24332040 (cited by Institute for Genomic Medicine (IGM) Clinical Laboratory, Nationwide Children's Hospital); PubMed 25768946 (cited by Institute for Genomic Medicine (IGM) Clinical Laboratory, Nationwide Children's Hospital); PubMed 34008892 (cited by Laboratory of Medical Genetics, National & Kapodistrian University of Athens); PubMed 18247425 (cited by Women's Health and Genetics/Laboratory Corporation of America, LabCorp); PubMed 28139825 (cited by Women's Health and Genetics/Laboratory Corporation of America, LabCorp); PubMed 18978862 (cited by Laboratory for Molecular Medicine, Mass General Brigham Personalized Medicine); PubMed 33372952 (cited by Human Genome Sequencing Center Clinical Lab, Baylor College of Medicine); PubMed 31775759 (cited by Institute of Medical Sciences, Banaras Hindu University); PubMed 11150980 (cited by OMIM); PubMed 22087699 (cited by OMIM); PubMed 22683711 (cited by OMIM); PubMed 24129065 (cited by OMIM).